The following is an entry in ClinVar:

ClinVar aggregate classification (germline): Uncertain significance (1 of 4 stars; one submission).

Submission:

Women's Health and Genetics/Laboratory Corporation of America, LabCorp
Classification: Uncertain significance. Last evaluated: 2025-07-23. Review status: criteria provided, single submitter. Criteria: LabCorp Variant Classification Summary - May 2015. Collection method: clinical testing. Allele origin: germline.
Comment: Variant summary: PKD1 c.1144G>C (p.Gly382Arg) results in a non-conservative amino acid change in the encoded protein sequence. Algorithms developed to predict the effect of missense changes on protein structure and function are either unavailable or do not agree on the potential impact of this missense change. The frequency data for this variant in gnomAD is considered unreliable, as metrics indicate poor data quality at this position. To our knowledge, no occurrence of c.1144G>C in individuals affected with PKD1-Biallelic Autosomal Recessive Polycystic Kidney Disease and no experimental evidence demonstrating its impact on protein function have been reported. No submitters have cited clinical-significance assessments for this variant to ClinVar. Based on the evidence outlined above, the variant was classified as uncertain significance.

NM_001009944.3(PKD1):c.1144G>C (p.Gly382Arg)

Gene: PKD1 (polycystin 1, transient receptor potential channel interacting; minus strand). Cytogenetic location: 16p13.3.
Variant type: single nucleotide variant.
Coding change: c.1144G>C on transcript NM_001009944.3 (MANE Select); coding-DNA position 1144, G replaced by C.
Protein change: p.Gly382Arg; replaces glycine 382 with arginine.
Molecular consequence: missense variant.
Genome position (GRCh38, 1-based): chr16:2,117,848, C>G on the plus strand (G>C on the coding strand, the complement: PKD1 is on the minus strand). VCF-style: chr16-2117848-C-G. GRCh37 (hg19) VCF-style: chr16-2167849-C-G.
Other names: c.1144G>C, p.Gly382Arg (NM_000296.4); short protein forms G382R.
Identifiers: ClinVar variation 4526259 (VCV004526259.1).